The following is an entry in ClinVar:

ClinVar aggregate classification (germline): Pathogenic (1 of 4 stars; one submission).

Conditions:
3-Oxo-5 alpha-steroid delta 4-dehydrogenase deficiency (PPSH). Also called: FAMILIAL INCOMPLETE MALE PSEUDOHERMAPHRODITISM, TYPE 2; 46,XY disorder of sex development due to 5-alpha-reductase 2 deficiency; PSEUDOVAGINAL PERINEOSCROTAL HYPOSPADIAS; MALE PSEUDOHERMAPHRODITISM DUE TO 5-ALPHA-REDUCTASE DEFICIENCY. Identifiers: Orphanet 753, MedGen C0268297, MONDO:0009923, OMIM 264600. Disease mechanism: loss of function.

Submission:

Diagnostics Services (NGS), CSIR - Centre For Cellular And Molecular Biology
Classification: Pathogenic for 3-Oxo-5 alpha-steroid delta 4-dehydrogenase deficiency. Last evaluated: 2022-07-20. Review status: criteria provided, single submitter. Criteria: ACMG Guidelines, 2015. Collection method: clinical testing. Allele origin: germline. Affected: yes. Observed: 1 variant allele, 1 homozygote.
Comment: The c.10C>T variant is not present in publicly available population databases like 1000 Genomes, Exome Variant Server (EVS), Exome Aggregation Consortium (ExAC), Genome Aggregation Database (gnomAD) and Indian Exome Database. The variant is not present in our in-house exome database. The variant was not previously reported to ClinVar, Human Genome Mutation Database (HGMD) and/or OMIM databases, in any affected individuals. In-silico pathogenicity prediction programs like MutationTaster2, CADD, Varsome etc. predicted this variant to be likely deleterious. The variant creates a premature translational stop codon at the 4th amino acid position of the original transcript and expected to cause nonsense mediated decay of the mRNA.

NM_000348.4(SRD5A2):c.10C>T (p.Gln4Ter)

Gene: SRD5A2 (steroid 5 alpha-reductase 2; minus strand). Cytogenetic location: 2p23.1.
Variant type: single nucleotide variant.
Coding change: c.10C>T on transcript NM_000348.4 (MANE Select); coding-DNA position 10, C replaced by T.
Protein change: p.Gln4Ter; replaces glutamine 4 with a stop codon.
Molecular consequence: nonsense.
Genome position (GRCh38, 1-based): chr2:31,580,891, G>A on the plus strand (C>T on the coding strand, the complement: SRD5A2 is on the minus strand). VCF-style: chr2-31580891-G-A. GRCh37 (hg19) VCF-style: chr2-31805960-G-A.
Other names: short protein forms Q4*.
Identifiers: ClinVar variation 1802209 (VCV001802209.3), dbSNP rs2465708830, ClinGen allele CA346599293.
Genomic context (GRCh38, chr2:31,580,891, plus strand): 5'-CCAGTGCCCCAAGGGCGACCAAAGTGGCGCTGCCTGCCAGCACTGGGCTCTGCTGGCACT[G>A]AACCTGCATCGCGCCGTGTTCCTCGCCGGTGGCCGCTGCCCTCCCAGAAGAGAGCGCGGC-3'